The following is an entry in ClinVar:

NM_000321.3(RB1):c.549T>C (p.Thr183=)

Gene: RB1 (RB transcriptional corepressor 1; plus strand). Cytogenetic location: 13q14.2.
Variant type: single nucleotide variant.
Coding change: c.549T>C on transcript NM_000321.3 (MANE Select); coding-DNA position 549, T replaced by C.
Protein change: p.Thr183=; no amino-acid change (threonine 183 retained).
Molecular consequence: synonymous variant.
Genome position (GRCh38, 1-based): chr13:48,348,965, T>C. VCF-style: chr13-48348965-T-C. GRCh37 (hg19) VCF-style: chr13-48923101-T-C.
Identifiers: ClinVar variation 1156231 (VCV001156231.15), dbSNP rs147793910, ClinGen allele CA038785.
Genomic context (GRCh38, chr13:48,348,965, plus strand): 5'-TTCAGTGATACATTTTTCCTGTTTTTTTTCTGCTTTCTATTTGTTTAATAGGATATCTAC[T>C]GAAATAAATTCTGCATTGGTGCTAAAAGTTTCTTGGATCACATTTTTATTAGCTAAAGGT-3'
Protein context (NP_000312.2, residues 173-193): YLTQPSSSIS[Thr183=]EINSALVLKV

ClinVar aggregate classification (germline): Benign/Likely benign. Review status: criteria provided, multiple submitters, no conflicts (2 of 4 stars). 5 submissions from 5 submitters: Benign (1); Likely benign (4). Last evaluated 2026-06-23.

Conditions:
Hereditary cancer-predisposing syndrome. Also called: Neoplastic Syndromes, Hereditary; Tumor predisposition; Hereditary Cancer Syndrome; Hereditary neoplastic syndrome. Identifiers: Orphanet 140162, MedGen C0027672, MeSH D009386, MONDO:0015356.
Retinoblastoma (RB1). Also called: RETINOBLASTOMA, SOMATIC. Identifiers: Orphanet 790, MedGen C0035335, MeSH D012175, MONDO:0008380, OMIM 180200, HP:0009919. Disease mechanism: loss of function. Inheritance: Both sporadic and heritable forms are tested..

Allele frequency attached by ClinVar (database versions not stated): ExAC 0.00001; gnomAD exomes 0.00001; TOPMed 0.00001.
gnomAD v4.1: 8 of 1,601,920 alleles (0.0005%); highest among the groups gnomAD compares: Non-Finnish European, 0.00068%; no homozygotes.

Submissions (5):

Myriad Genetics, Inc.
Classification: Benign for Retinoblastoma. Last evaluated: 2026-06-23. Review status: criteria provided, single submitter. Criteria: Myriad Autosomal Dominant, Autosomal Recessive and X-Linked Classification Criteria (2023). Collection method: clinical testing. Allele origin: unknown.
Comment: This variant is considered benign. This variant is a silent/synonymous amino acid change and it is not expected to impact splicing.

Labcorp Genetics (formerly Invitae), Labcorp
Classification: Likely benign for Retinoblastoma. Last evaluated: 2026-01-15. Review status: criteria provided, single submitter. Criteria: Invitae Variant Classification Sherloc (09022015). Collection method: clinical testing. Allele origin: germline.

All of Us Research Program, National Institutes of Health
Classification: Likely benign for Retinoblastoma. Last evaluated: 2023-06-08. Review status: criteria provided, single submitter. Criteria: ACMG Guidelines, 2015. Collection method: clinical testing. Allele origin: germline. Inheritance: Autosomal dominant inheritance. Observed: 2 variant alleles, 2 heterozygotes.
Comment: This study involves interpretation of variants in research participants for the purpose of population health screening. Participant phenotype was not available at the time of variant classification. Additional details can be found in publication PMID: 35346344, PMCID: PMC8962531

Color Diagnostics, LLC DBA Color Health
Classification: Likely benign for Retinoblastoma. Last evaluated: 2022-04-26. Review status: criteria provided, single submitter. Criteria: ACMG Guidelines, 2015. Collection method: clinical testing. Allele origin: germline.

Ambry Genetics
Classification: Likely benign for Hereditary cancer-predisposing syndrome. Last evaluated: 2020-01-08. Review status: criteria provided, single submitter. Criteria: Ambry Variant Classification Scheme 2023. Collection method: clinical testing. Allele origin: germline.